The following is an entry in ClinVar:

ClinVar aggregate classification (germline): Conflicting classifications of pathogenicity. Review status: criteria provided, conflicting classifications (1 of 4 stars). 2 submissions from 2 submitters: Uncertain significance (1); Likely benign (1). Last evaluated 2025-05-19.

Conditions:
Hereditary cancer-predisposing syndrome. Also called: Neoplastic Syndromes, Hereditary; Tumor predisposition; Hereditary Cancer Syndrome; Hereditary neoplastic syndrome. Identifiers: Orphanet 140162, MedGen C0027672, MeSH D009386, MONDO:0015356.
Hereditary breast ovarian cancer syndrome. Also called: Hereditary breast and/or ovarian cancer syndrome; Hereditary breast and ovarian cancer syndrome; Breast and ovarian cancer; Hereditary breast and ovarian cancer; BRCA1- and BRCA2-Associated Hereditary Breast and Ovarian Cancer; Hereditary breast and ovarian cancer syndrome (HBOC). Identifiers: Orphanet 145, MedGen C0677776, MeSH D061325, MONDO:0003582. Disease mechanism: loss of function.

Submissions (2):

Ambry Genetics
Classification: Likely benign for Hereditary cancer-predisposing syndrome. Last evaluated: 2025-05-19. Review status: criteria provided, single submitter. Criteria: Ambry Variant Classification Scheme 2023. Collection method: clinical testing. Allele origin: germline.

Labcorp Genetics (formerly Invitae), Labcorp
Classification: Uncertain significance for Hereditary breast ovarian cancer syndrome. Last evaluated: 2022-01-02. Review status: criteria provided, single submitter. Criteria: Invitae Variant Classification Sherloc (09022015). Collection method: clinical testing. Allele origin: germline.
Comment: In summary, the available evidence is currently insufficient to determine the role of this variant in disease. Therefore, it has been classified as a Variant of Uncertain Significance. Advanced modeling of protein sequence and biophysical properties (such as structural, functional, and spatial information, amino acid conservation, physicochemical variation, residue mobility, and thermodynamic stability) performed at Invitae indicates that this missense variant is not expected to disrupt BRCA2 protein function. This variant has not been reported in the literature in individuals affected with BRCA2-related conditions. This variant is not present in population databases (gnomAD no frequency). This sequence change replaces aspartic acid, which is acidic and polar, with asparagine, which is neutral and polar, at codon 2611 of the BRCA2 protein (p.Asp2611Asn).

NM_000059.4(BRCA2):c.7831G>A (p.Asp2611Asn)

Gene: BRCA2 (BRCA2 DNA repair associated; plus strand). Cytogenetic location: 13q13.1.
Variant type: single nucleotide variant.
Coding change: c.7831G>A on transcript NM_000059.4 (MANE Select); coding-DNA position 7831, G replaced by A.
Protein change: p.Asp2611Asn; replaces aspartic acid 2611 with asparagine.
Molecular consequence: missense variant.
Genome position (GRCh38, 1-based): chr13:32,362,548, G>A. VCF-style: chr13-32362548-G-A. GRCh37 (hg19) VCF-style: chr13-32936685-G-A.
Other names: c.7735G>A, p.Asp2579Asn (NM_001406719.1); c.7831G>A, p.Asp2611Asn (NM_001406720.1); c.2899G>A, p.Asp967Asn (NM_001406721.1); c.1414G>A, p.Asp472Asn (NM_001406722.1); short protein forms D2579N, D967N, D2611N, D472N.
Identifiers: ClinVar variation 1760811 (VCV001760811.8), dbSNP rs2072744827, ClinGen allele CA387747004.